The following is an entry in ClinVar:

ClinVar aggregate classification (germline): Uncertain significance. Review status: criteria provided, multiple submitters, no conflicts (2 of 4 stars). 2 submissions from 2 submitters: Uncertain significance (2). Last evaluated 2025-09-24.

Conditions:
Inborn genetic diseases. Identifiers: MedGen C0950123, MeSH D030342.

Allele frequency attached by ClinVar (database versions not stated): ExAC 0.00003; gnomAD 0.00003; TOPMed 0.00003; gnomAD exomes 0.00006; ESP Exome Variant Server 0.00008.
gnomAD v4.1: 92 of 1,612,760 alleles (0.0057%); highest among the groups gnomAD compares: Non-Finnish European, 0.0071%; no homozygotes.

Submissions (2):

Ambry Genetics
Classification: Uncertain significance for Inborn genetic diseases. Last evaluated: 2025-09-24. Review status: criteria provided, single submitter. Criteria: Ambry Variant Classification Scheme 2023. Collection method: clinical testing. Allele origin: germline.

Labcorp Genetics (formerly Invitae), Labcorp
Classification: Uncertain significance. Last evaluated: 2025-08-25. Review status: criteria provided, single submitter. Criteria: Invitae Variant Classification Sherloc (09022015). Collection method: clinical testing. Allele origin: germline.
Comment: This sequence change replaces lysine, which is basic and polar, with glutamic acid, which is acidic and polar, at codon 968 of the DNA2 protein (p.Lys968Glu). This variant is present in population databases (rs200984921, gnomAD 0.004%). This variant has not been reported in the literature in individuals affected with DNA2-related conditions. ClinVar contains an entry for this variant (Variation ID: 1908269). Invitae Evidence Modeling of protein sequence and biophysical properties (such as structural, functional, and spatial information, amino acid conservation, physicochemical variation, residue mobility, and thermodynamic stability) indicates that this missense variant is expected to disrupt DNA2 protein function with a positive predictive value of 80%. In summary, the available evidence is currently insufficient to determine the role of this variant in disease. Therefore, it has been classified as a Variant of Uncertain Significance.

NM_001080449.3(DNA2):c.2902A>G (p.Lys968Glu)

Gene: DNA2 (DNA replication helicase/nuclease 2; minus strand). Cytogenetic location: 10q21.3.
Variant type: single nucleotide variant.
Coding change: c.2902A>G on transcript NM_001080449.3 (MANE Select); coding-DNA position 2902, A replaced by G.
Protein change: p.Lys968Glu; replaces lysine 968 with glutamic acid.
Molecular consequence: missense variant. On other transcripts: non-coding transcript variant (1).
Genome position (GRCh38, 1-based): chr10:68,419,099, T>C on the plus strand (A>G on the coding strand, the complement: DNA2 is on the minus strand). VCF-style: chr10-68419099-T-C. GRCh37 (hg19) VCF-style: chr10-70178856-T-C.
Other names: c.2902A>G (NM_001080449.2); short protein forms K968E.
Identifiers: ClinVar variation 1908269 (VCV001908269.6), dbSNP rs200984921, ClinGen allele CA5524710.